The following is an entry in ClinVar:

NM_005612.5(REST):c.2354T>C (p.Met785Thr)

Gene: REST (RE1 silencing transcription factor; plus strand). Cytogenetic location: 4q12.
Variant type: single nucleotide variant.
Coding change: c.2354T>C on transcript NM_005612.5 (MANE Select); coding-DNA position 2354, T replaced by C.
Protein change: p.Met785Thr; replaces methionine 785 with threonine.
Molecular consequence: missense variant.
Genome position (GRCh38, 1-based): chr4:56,931,212, T>C. VCF-style: chr4-56931212-T-C. GRCh37 (hg19) VCF-style: chr4-57797378-T-C.
Other names: c.2354T>C, p.Met785Thr (NM_001193508.2, NM_001363453.3); short protein forms M785T.
Identifiers: ClinVar variation 1353310 (VCV001353310.6), dbSNP rs140408965, ClinGen allele CA2932467.

ClinVar aggregate classification (germline): Uncertain significance. Review status: criteria provided, multiple submitters, no conflicts (2 of 4 stars). 2 submissions from 2 submitters: Uncertain significance (2). Last evaluated 2023-08-03.

Conditions:
REST-related disorder. Also called: REST-related condition.

Allele frequency attached by ClinVar (database versions not stated): gnomAD exomes below 0.00001; ExAC 0.00001; gnomAD 0.00001; TOPMed 0.00002; ESP Exome Variant Server 0.00008.
gnomAD v4.1: 2 of 1,613,954 alleles (0.00012%); highest among the groups gnomAD compares: Non-Finnish European, 0.000085%; no homozygotes.

Submissions (2):

Labcorp Genetics (formerly Invitae), Labcorp
Classification: Uncertain significance. Last evaluated: 2023-08-03. Review status: criteria provided, single submitter. Criteria: Invitae Variant Classification Sherloc (09022015). Collection method: clinical testing. Allele origin: germline.
Comment: In summary, the available evidence is currently insufficient to determine the role of this variant in disease. Therefore, it has been classified as a Variant of Uncertain Significance. Algorithms developed to predict the effect of missense changes on protein structure and function output the following: SIFT: "Not Available"; PolyPhen-2: "Benign"; Align-GVGD: "Not Available". The threonine amino acid residue is found in multiple mammalian species, which suggests that this missense change does not adversely affect protein function. ClinVar contains an entry for this variant (Variation ID: 1353310). This variant has not been reported in the literature in individuals affected with REST-related conditions. This variant is present in population databases (rs140408965, gnomAD 0.0009%). This sequence change replaces methionine, which is neutral and non-polar, with threonine, which is neutral and polar, at codon 785 of the REST protein (p.Met785Thr).

PreventionGenetics, part of Exact Sciences
Classification: Uncertain significance for REST-related condition. Last evaluated: 2023-06-14. Review status: criteria provided, single submitter. Criteria: ACMG Guidelines, 2015. Collection method: clinical testing. Allele origin: germline.
Comment: The REST c.2354T>C variant is predicted to result in the amino acid substitution p.Met785Thr. To our knowledge, this variant has not been reported in the literature. This variant is reported in 0.00088% of alleles in individuals of European (Non-Finnish) descent in gnomAD. In ClinVar, this variant is classified as having uncertain clinical significance. At this time, the clinical significance of this variant is uncertain due to the absence of conclusive functional and genetic evidence.